The following is an entry in ClinVar:

NM_152743.4(BRAT1):c.1395+2T>A

Gene: BRAT1 (BRCA1 associated ATM activator 1; minus strand). Cytogenetic location: 7p22.3.
Variant type: single nucleotide variant.
Coding change: c.1395+2T>A on transcript NM_152743.4 (MANE Select); the canonical splice donor site of the intron after coding-DNA position 1395, T replaced by A.
Molecular consequence: splice donor variant.
Genome position (GRCh38, 1-based): chr7:2,540,977, A>T on the plus strand (T>A on the coding strand, the complement: BRAT1 is on the minus strand). VCF-style: chr7-2540977-A-T. GRCh37 (hg19) VCF-style: chr7-2580611-A-T.
Other names: c.870+2T>A (NM_001350627.2); c.1395+2T>A (NM_001350626.2).
Identifiers: ClinVar variation 848333 (VCV000848333.10), dbSNP rs1779105755, ClinGen allele CA366628651.

ClinVar aggregate classification (germline): Likely pathogenic (1 of 4 stars; one submission).

Conditions:
Neonatal-onset encephalopathy with rigidity and seizures. Also called: Lethal neonatal spasticity-epileptic encephalopathy syndrome. Identifiers: Orphanet 435845, MedGen C3281029, MONDO:0013784, OMIM 614498.

Submission:

Labcorp Genetics (formerly Invitae), Labcorp
Classification: Likely pathogenic for Neonatal-onset encephalopathy with rigidity and seizures. Last evaluated: 2022-02-17. Review status: criteria provided, single submitter. Criteria: Invitae Variant Classification Sherloc (09022015). Collection method: clinical testing. Allele origin: germline.
Comment: This sequence change affects a donor splice site in intron 10 of the BRAT1 gene. It is expected to disrupt RNA splicing. Variants that disrupt the donor or acceptor splice site typically lead to a loss of protein function (PMID: 16199547), and loss-of-function variants in BRAT1 are known to be pathogenic (PMID: 22279524, 25500575). This variant is not present in population databases (gnomAD no frequency). This variant has not been reported in the literature in individuals affected with BRAT1-related conditions. ClinVar contains an entry for this variant (Variation ID: 848333). Algorithms developed to predict the effect of sequence changes on RNA splicing suggest that this variant may disrupt the consensus splice site. In summary, the currently available evidence indicates that the variant is pathogenic, but additional data are needed to prove that conclusively. Therefore, this variant has been classified as Likely Pathogenic.

Literature cited by the submitters: PubMed 16199547; PubMed 22279524; PubMed 25500575.